The following is an entry in ClinVar:

ClinVar aggregate classification (germline): Uncertain significance (1 of 4 stars; one submission).

Conditions:
Hereditary spastic paraplegia 11. Also called: Spastic Paraplegia 11; SPASTIC PARAPLEGIA, AUTOSOMAL RECESSIVE, COMPLICATED, WITH THIN CORPUS CALLOSUM; SPASTIC PARAPLEGIA, AUTOSOMAL RECESSIVE, WITH MENTAL IMPAIRMENT AND THIN CORPUS CALLOSUM; Nakamura Osame syndrome; Autosomal recessive hereditary spastic paraplegia, mental impairment, and thin corpus callosum; Spastic paraplegia, mental retardation and thin corpus callosum. Identifiers: Orphanet 2822, MedGen C1858479, MONDO:0011445, OMIM 604360.

Submission:

Labcorp Genetics (formerly Invitae), Labcorp
Classification: Uncertain significance for Hereditary spastic paraplegia 11. Last evaluated: 2021-03-23. Review status: criteria provided, single submitter. Criteria: Invitae Variant Classification Sherloc (09022015). Collection method: clinical testing. Allele origin: germline.
Comment: In summary, the available evidence is currently insufficient to determine the role of this variant in disease. Therefore, it has been classified as a Variant of Uncertain Significance. Algorithms developed to predict the effect of missense changes on protein structure and function are either unavailable or do not agree on the potential impact of this missense change (SIFT: "Tolerated"; PolyPhen-2: "Probably Damaging"; Align-GVGD: "Class C0"). This variant has not been reported in the literature in individuals with SPG11-related conditions. This variant is not present in population databases (ExAC no frequency). This sequence change replaces leucine with isoleucine at codon 1486 of the SPG11 protein (p.Leu1486Ile). The leucine residue is highly conserved and there is a small physicochemical difference between leucine and isoleucine.

NM_025137.4(SPG11):c.4456C>A (p.Leu1486Ile)

Gene: SPG11 (SPG11 vesicle trafficking associated, spatacsin; minus strand). Cytogenetic location: 15q21.1.
Variant type: single nucleotide variant.
Coding change: c.4456C>A on transcript NM_025137.4 (MANE Select); coding-DNA position 4456, C replaced by A.
Protein change: p.Leu1486Ile; replaces leucine 1486 with isoleucine.
Molecular consequence: missense variant.
Genome position (GRCh38, 1-based): chr15:44,595,438, G>T on the plus strand (C>A on the coding strand, the complement: SPG11 is on the minus strand). VCF-style: chr15-44595438-G-T. GRCh37 (hg19) VCF-style: chr15-44887636-G-T.
Other names: c.4456C>A, p.Leu1486Ile (NM_001160227.2); short protein forms L1486I.
Identifiers: ClinVar variation 1006407 (VCV001006407.8), dbSNP rs2083010648, ClinGen allele CA392226897.